The following is an entry in ClinVar:

NM_001173990.3(TMEM216):c.229+1G>T

Gene: TMEM216 (transmembrane protein 216; plus strand). Cytogenetic location: 11q12.2.
Variant type: single nucleotide variant.
Coding change: c.229+1G>T on transcript NM_001173990.3 (MANE Select); the canonical splice donor site of the intron after coding-DNA position 229, G replaced by T.
Molecular consequence: splice donor variant.
Genome position (GRCh38, 1-based): chr11:61,393,977, G>T. VCF-style: chr11-61393977-G-T. GRCh37 (hg19) VCF-style: chr11-61161449-G-T.
Other names: c.46+1G>T (NM_016499.6, NM_001330285.2); c.229+1G>T (NM_001173991.3).
Identifiers: ClinVar variation 1951208 (VCV001951208.5), dbSNP rs2135191306, ClinGen allele CA380685206.

ClinVar aggregate classification (germline): Likely pathogenic (1 of 4 stars; one submission).

Conditions:
Joubert syndrome. Also called: CEREBELLOPARENCHYMAL DISORDER IV; JOUBERT-BOLTSHAUSER SYNDROME; Familial aplasia of the vermis. Identifiers: Orphanet 475, MedGen C5979921, MONDO:0018772.

Submission:

Labcorp Genetics (formerly Invitae), Labcorp
Classification: Likely pathogenic for Joubert syndrome. Last evaluated: 2023-09-08. Review status: criteria provided, single submitter. Criteria: Invitae Variant Classification Sherloc (09022015). Collection method: clinical testing. Allele origin: germline.
Comment: Algorithms developed to predict the effect of sequence changes on RNA splicing suggest that this variant may disrupt the consensus splice site. ClinVar contains an entry for this variant (Variation ID: 1951208). In summary, the currently available evidence indicates that the variant is pathogenic, but additional data are needed to prove that conclusively. Therefore, this variant has been classified as Likely Pathogenic. This variant is not present in population databases (gnomAD no frequency). This sequence change affects a donor splice site in intron 3 of the TMEM216 gene. It is expected to disrupt RNA splicing. Variants that disrupt the donor or acceptor splice site typically lead to a loss of protein function (PMID: 16199547), and loss-of-function variants in TMEM216 are known to be pathogenic (PMID: 20512146). This variant has not been reported in the literature in individuals affected with TMEM216-related conditions.

Literature cited by the submitters: PubMed 16199547; PubMed 20512146.